The following is an entry in ClinVar:

ClinVar aggregate classification (germline): Uncertain significance (1 of 4 stars; one submission).

Conditions:
Cystic fibrosis (CF). Also called: MUCOVISCIDOSIS. Identifiers: Orphanet 586, MedGen C0010674, MONDO:0009061, OMIM 219700. Disease mechanism: loss of function.

Submission:

Ambry Genetics
Classification: Uncertain significance for Cystic fibrosis. Last evaluated: 2025-05-21. Review status: criteria provided, single submitter. Criteria: Ambry Variant Classification Scheme 2023. Collection method: clinical testing. Allele origin: germline.
Comment: The p.I1015N variant (also known as c.3044T>A), located in coding exon 19 of the CFTR gene, results from a T to A substitution at nucleotide position 3044. The isoleucine at codon 1015 is replaced by asparagine, an amino acid with dissimilar properties. This amino acid position is conserved. In addition, this alteration is predicted to be deleterious by in silico analysis. Based on the available evidence, the clinical significance of this variant remains unclear.

NM_000492.4(CFTR):c.3044T>A (p.Ile1015Asn)

Genes: CFTR (CF transmembrane conductance regulator; plus strand), CFTR-AS2 (CFTR antisense RNA 2; minus strand), LOC111674472 (DNase I hypersensitive sites in introns 16 and 17a of CFTR; plus strand). Cytogenetic location: 7q31.2.
Variant type: single nucleotide variant.
Coding change: c.3044T>A on transcript NM_000492.4 (MANE Select); coding-DNA position 3044, T replaced by A.
Protein change: p.Ile1015Asn; replaces isoleucine 1015 with asparagine.
Molecular consequence: missense variant.
Genome position (GRCh38, 1-based): chr7:117,610,574, T>A. VCF-style: chr7-117610574-T-A. GRCh37 (hg19) VCF-style: chr7-117250628-T-A.
Other names: short protein forms I1015N.
Identifiers: ClinVar variation 4001873 (VCV004001873.1).